The following is an entry in ClinVar:

ClinVar aggregate classification (germline): Uncertain significance (1 of 4 stars; one submission).

Conditions:
C3-related disorder. Also called: C3-related condition.

Submission:

PreventionGenetics, part of Exact Sciences
Classification: Uncertain significance for C3-related condition. Last evaluated: 2025-10-25. Review status: criteria provided, single submitter. Criteria: ACMG Guidelines, 2015. Collection method: clinical testing. Allele origin: germline.
Comment: The C3 c.2698A>T variant is predicted to result in the amino acid substitution p.Ile900Phe. To our knowledge, this variant has not been reported in the literature. This variant is reported in 0.0054% of alleles in individuals of East Asian descent in gnomAD. At this time, the clinical significance of this variant is uncertain due to the absence of conclusive functional and genetic evidence.

NM_000064.4(C3):c.2698A>T (p.Ile900Phe)

Gene: C3 (complement C3; minus strand). Cytogenetic location: 19p13.3.
Variant type: single nucleotide variant.
Coding change: c.2698A>T on transcript NM_000064.4 (MANE Select); coding-DNA position 2698, A replaced by T.
Protein change: p.Ile900Phe; replaces isoleucine 900 with phenylalanine.
Molecular consequence: missense variant.
Genome position (GRCh38, 1-based): chr19:6,697,442, T>A on the plus strand (A>T on the coding strand, the complement: C3 is on the minus strand). VCF-style: chr19-6697442-T-A. GRCh37 (hg19) VCF-style: chr19-6697453-T-A.
Other names: short protein forms I900F.
Identifiers: ClinVar variation 4993343 (VCV004993343.1).